The following is an entry in ClinVar:

ClinVar aggregate classification (germline): Uncertain significance (1 of 4 stars; one submission).

Conditions:
Rauch-Steindl syndrome (RAUST). Identifiers: Orphanet 659642, MedGen C5562061, MONDO:0859219, OMIM 619695.

Submission:

Juno Genomics, Hangzhou Juno Genomics, Inc
Classification: Uncertain significance for Rauch-Steindl syndrome. Review status: criteria provided, single submitter. Criteria: ACMG Guidelines, 2015. Collection method: clinical testing. Allele origin: germline.
Comment: Missense variant in a gene that has a low rate of benign missense variation.;Multiple lines of computational evidence support a deleterious effect on the gene or gene product.;Absent from controls (or at extremely low frequency if recessive) in Genome Aggregation Database.

NM_001042424.3(NSD2):c.1018C>T (p.Arg340Trp)

Gene: NSD2 (nuclear receptor binding SET domain protein 2; plus strand). Cytogenetic location: 4p16.3.
Variant type: single nucleotide variant.
Coding change: c.1018C>T on transcript NM_001042424.3 (MANE Select); coding-DNA position 1018, C replaced by T.
Protein change: p.Arg340Trp; replaces arginine 340 with tryptophan.
Molecular consequence: missense variant.
Genome position (GRCh38, 1-based): chr4:1,918,231, C>T. VCF-style: chr4-1918231-C-T. GRCh37 (hg19) VCF-style: chr4-1919958-C-T.
Other names: c.1018C>T, p.Arg340Trp (NM_001440892.1, NM_001440894.1, NM_001440895.1 and 8 more transcripts); c.1117C>T, p.Arg373Trp (NM_001440893.1); c.49C>T, p.Arg17Trp (NM_001440899.1, NM_001440900.1); short protein forms R17W, R373W, R340W.
Identifiers: ClinVar variation 5006764 (VCV005006764.2).